The following is an entry in ClinVar:

NM_000059.4(BRCA2):c.1606T>A (p.Ser536Thr)

Gene: BRCA2 (BRCA2 DNA repair associated; plus strand). Cytogenetic location: 13q13.1.
Variant type: single nucleotide variant.
Coding change: c.1606T>A on transcript NM_000059.4 (MANE Select); coding-DNA position 1606, T replaced by A.
Protein change: p.Ser536Thr; replaces serine 536 with threonine.
Molecular consequence: missense variant.
Genome position (GRCh38, 1-based): chr13:32,333,084, T>A. VCF-style: chr13-32333084-T-A. GRCh37 (hg19) VCF-style: chr13-32907221-T-A.
Other names: short protein forms S536T.
Identifiers: ClinVar variation 650672 (VCV000650672.16), dbSNP rs1227088794, ClinGen allele CA387764851.

ClinVar aggregate classification (germline): Conflicting classifications of pathogenicity. Review status: criteria provided, conflicting classifications (1 of 4 stars). 4 submissions from 4 submitters: Uncertain significance (3); Likely benign (1). Last evaluated 2025-02-10.

Conditions:
Hereditary cancer-predisposing syndrome. Also called: Neoplastic Syndromes, Hereditary; Tumor predisposition; Hereditary Cancer Syndrome; Hereditary neoplastic syndrome. Identifiers: Orphanet 140162, MedGen C0027672, MeSH D009386, MONDO:0015356.
Hereditary breast ovarian cancer syndrome. Also called: Breast and ovarian cancer; BRCA1- and BRCA2-Associated Hereditary Breast and Ovarian Cancer; Hereditary breast and ovarian cancer; Hereditary breast and ovarian cancer syndrome (HBOC); Hereditary breast and/or ovarian cancer syndrome; Hereditary breast and ovarian cancer syndrome. Identifiers: Orphanet 145, MedGen C0677776, MeSH D061325, MONDO:0003582. Disease mechanism: loss of function.

Allele frequency attached by ClinVar (database versions not stated): gnomAD 0.00001; TOPMed 0.00001.

Submissions (4):

Quest Diagnostics Nichols Institute San Juan Capistrano
Classification: Uncertain significance. Last evaluated: 2025-02-10. Review status: criteria provided, single submitter. Criteria: Quest Diagnostics criteria. Collection method: clinical testing. Allele origin: unknown.
Comment: The BRCA2 c.1606T>A (p.Ser536Thr) variant has been identified in the published literature in reportedly healthy individuals (PMID: 33471991 (2021), see also LOVD). The frequency of this variant in the general population (Genome Aggregation Database) is uninformative in the assessment of its pathogenicity. Analysis of this variant using bioinformatics tools for the prediction of the effect of amino acid changes on protein structure and function yielded predictions that this variant is benign. Based on the available information, we are unable to determine the clinical significance of this variant.

Ambry Genetics
Classification: Uncertain significance for Hereditary cancer-predisposing syndrome. Last evaluated: 2024-09-06. Review status: criteria provided, single submitter. Criteria: Ambry Variant Classification Scheme 2023. Collection method: clinical testing. Allele origin: germline.
Comment: The p.S536T variant (also known as c.1606T>A), located in coding exon 9 of the BRCA2 gene, results from a T to A substitution at nucleotide position 1606. The serine at codon 536 is replaced by threonine, an amino acid with similar properties. This amino acid position is not well conserved in available vertebrate species. In addition, this alteration is predicted to be tolerated by in silico analysis. Since supporting evidence is limited at this time, the clinical significance of this alteration remains unclear.

University of Washington Department of Laboratory Medicine, University of Washington
Classification: Likely benign for Hereditary cancer-predisposing syndrome. Last evaluated: 2023-03-23. Review status: criteria provided, single submitter. Criteria: Dines et al. (Genet Med. 2020). Collection method: curation. Allele origin: germline.
Comment: Missense variant in a coldspot region where missense variants are very unlikely to be pathogenic (PMID:31911673).

BRCA2 exon 10 coldspot. Reclassification based on statistical prior probability.

Labcorp Genetics (formerly Invitae), Labcorp
Classification: Uncertain significance for Hereditary breast ovarian cancer syndrome. Last evaluated: 2020-03-31. Review status: criteria provided, single submitter. Criteria: Invitae Variant Classification Sherloc (09022015). Collection method: clinical testing. Allele origin: germline.
Comment: This variant has not been reported in the literature in individuals with BRCA2-related disease. In summary, the available evidence is currently insufficient to determine the role of this variant in disease. Therefore, it has been classified as a Variant of Uncertain Significance. Algorithms developed to predict the effect of missense changes on protein structure and function (SIFT, PolyPhen-2, Align-GVGD) all suggest that this variant is likely to be tolerated, but these predictions have not been confirmed by published functional studies and their clinical significance is uncertain. This variant is not present in population databases (ExAC no frequency). This sequence change replaces serine with threonine at codon 536 of the BRCA2 protein (p.Ser536Thr). The serine residue is moderately conserved and there is a small physicochemical difference between serine and threonine.

Literature cited by the submitters: PubMed 33471991 (cited by Quest Diagnostics Nichols Institute San Juan Capistrano).